The following is an entry in ClinVar:

NM_000179.3(MSH6):c.1440A>T (p.Val480=)

Gene: MSH6 (mutS homolog 6; plus strand). Cytogenetic location: 2p16.3.
Variant type: single nucleotide variant.
Coding change: c.1440A>T on transcript NM_000179.3 (MANE Select); coding-DNA position 1440, A replaced by T.
Protein change: p.Val480=; no amino-acid change (valine 480 retained).
Molecular consequence: synonymous variant.
Genome position (GRCh38, 1-based): chr2:47,799,423, A>T. VCF-style: chr2-47799423-A-T. GRCh37 (hg19) VCF-style: chr2-48026562-A-T.
Other names: c.1050A>T, p.Val350= (NM_001281492.2); c.534A>T, p.Val178= (NM_001281493.2, NM_001281494.2).
Identifiers: ClinVar variation 234565 (VCV000234565.20), dbSNP rs876661088, ClinGen allele CA10577269.

ClinVar aggregate classification (germline): Benign/Likely benign. Review status: criteria provided, multiple submitters, no conflicts (2 of 4 stars). 6 submissions from 6 submitters: Benign (1); Likely benign (5). Last evaluated 2024-12-26.

Conditions:
Hereditary cancer-predisposing syndrome. Also called: Hereditary neoplastic syndrome; Hereditary Cancer Syndrome; Neoplastic Syndromes, Hereditary; Tumor predisposition. Identifiers: Orphanet 140162, MedGen C0027672, MeSH D009386, MONDO:0015356.
Hereditary nonpolyposis colorectal neoplasms. Identifiers: MedGen C0009405, MeSH D003123.
Lynch syndrome. Identifiers: Orphanet 144, MedGen C4552100, MONDO:0005835. Disease mechanism: loss of function.
Lynch syndrome 5 (LYNCH5). Also called: Hereditary non-polyposis colorectal cancer, type 5; Colorectal cancer, hereditary nonpolyposis, type 5. Identifiers: Orphanet 144, MedGen C1833477, MONDO:0013710, OMIM 614350. Disease mechanism: loss of function.

Allele frequency attached by ClinVar (database versions not stated): gnomAD exomes below 0.00001; gnomAD 0.00001; TOPMed 0.00002.
gnomAD v4.1: 3 of 1,614,082 alleles (0.00019%); highest among the groups gnomAD compares: African/African-American, 0.004%; no homozygotes.

Submissions (6):

Myriad Genetics, Inc.
Classification: Benign for Lynch syndrome 5. Last evaluated: 2024-12-26. Review status: criteria provided, single submitter. Criteria: Myriad Autosomal Dominant, Autosomal Recessive and X-Linked Classification Criteria (2023). Collection method: clinical testing. Allele origin: unknown.
Comment: This variant is considered benign. This variant is a silent/synonymous amino acid change and it is not expected to impact splicing.

Labcorp Genetics (formerly Invitae), Labcorp
Classification: Likely benign for Hereditary nonpolyposis colorectal neoplasms. Last evaluated: 2024-12-15. Review status: criteria provided, single submitter. Criteria: Invitae Variant Classification Sherloc (09022015). Collection method: clinical testing. Allele origin: germline.

All of Us Research Program, National Institutes of Health
Classification: Likely benign for Lynch syndrome. Last evaluated: 2022-12-16. Review status: criteria provided, single submitter. Criteria: ACMG Guidelines, 2015. Collection method: clinical testing. Allele origin: germline. Inheritance: Autosomal dominant inheritance. Observed: 1 variant allele, 1 heterozygote.
Comment: This study involves interpretation of variants in research participants for the purpose of population health screening. Participant phenotype was not available at the time of variant classification. Additional details can be found in publication PMID: 35346344, PMCID: PMC8962531

GeneDx
Classification: Likely benign. Last evaluated: 2019-03-29. Review status: criteria provided, single submitter. Criteria: GeneDx Variant Classification Process June 2021. Collection method: clinical testing. Allele origin: germline. Affected: yes.

Color Diagnostics, LLC DBA Color Health
Classification: Likely benign for Hereditary cancer-predisposing syndrome. Last evaluated: 2018-04-03. Review status: criteria provided, single submitter. Criteria: ACMG Guidelines, 2015. Collection method: clinical testing. Allele origin: germline.

Ambry Genetics
Classification: Likely benign for Hereditary cancer-predisposing syndrome. Last evaluated: 2017-11-03. Review status: criteria provided, single submitter. Criteria: Ambry Variant Classification Scheme 2023. Collection method: clinical testing. Allele origin: germline.